The following is an entry in ClinVar:

ClinVar aggregate classification (germline): Benign/Likely benign. Review status: criteria provided, multiple submitters, no conflicts (2 of 4 stars). 4 submissions from 4 submitters: Benign (1); Likely benign (2). 1 of the submissions does not count toward it. Last evaluated 2026-07-01.

Conditions:
FGF14-related disorder. Also called: FGF14-related condition.

Allele frequency attached by ClinVar (database versions not stated): ESP Exome Variant Server 0.00015; TOPMed 0.00029; gnomAD 0.00042 and 0.00044.
gnomAD v4.1: 350 of 1,613,362 alleles (0.022%); highest among the groups gnomAD compares: Admixed American, 0.11%; no homozygotes.

Submissions (4):

CeGaT Center for Human Genetics Tuebingen
Classification: Likely benign. Last evaluated: 2026-07-01. Review status: criteria provided, single submitter. Criteria: CeGaT Center For Human Genetics Tuebingen Variant Classification Criteria Version 2. Collection method: clinical testing. Allele origin: germline. Affected: yes. Observed: 1 variant allele.
Comment: FGF14: BP4, BS1

Labcorp Genetics (formerly Invitae), Labcorp
Classification: Likely benign. Last evaluated: 2024-12-16. Review status: criteria provided, single submitter. Criteria: Invitae Variant Classification Sherloc (09022015). Collection method: clinical testing. Allele origin: germline.

Athena Diagnostics
Classification: Benign. Last evaluated: 2016-09-02. Review status: criteria provided, single submitter. Criteria: Athena Diagnostics Criteria. Collection method: clinical testing. Allele origin: germline.

PreventionGenetics, part of Exact Sciences
Classification: Likely benign for FGF14-related condition. Last evaluated: 2019-07-08. Review status: no assertion criteria provided. Collection method: clinical testing. Allele origin: germline. Not counted in ClinVar's aggregate classification.
Comment: This variant is classified as likely benign based on ACMG/AMP sequence variant interpretation guidelines (Richards et al. 2015 PMID: 25741868, with internal and published modifications).

NM_004115.4(FGF14):c.579A>T (p.Ala193=)

Gene: FGF14 (fibroblast growth factor 14; minus strand). Cytogenetic location: 13q33.1.
Variant type: single nucleotide variant.
Coding change: c.579A>T on transcript NM_004115.4 (MANE Select); coding-DNA position 579, A replaced by T.
Protein change: p.Ala193=; no amino-acid change (alanine 193 retained).
Molecular consequence: synonymous variant.
Genome position (GRCh38, 1-based): chr13:101,726,640, T>A on the plus strand (A>T on the coding strand, the complement: FGF14 is on the minus strand). VCF-style: chr13-101726640-T-A. GRCh37 (hg19) VCF-style: chr13-102378990-T-A.
Other names: c.327A>T, p.Ala109= (NM_001321931.1, NM_001321934.1, NM_001321935.1 and 4 more transcripts); c.390A>T, p.Ala130= (NM_001321932.1, NM_001321936.1, NM_001321944.1); c.399A>T, p.Ala133= (NM_001321933.1, NM_001321938.2, NM_001321940.1); c.483A>T, p.Ala161= (NM_001321939.2); c.393A>T, p.Ala131= (NM_001321941.2); c.477A>T, p.Ala159= (NM_001321945.2, NM_001321948.2, NM_001379342.1); c.438A>T, p.Ala146= (NM_001321947.2); c.594A>T, p.Ala198= (NM_175929.3); and 1 more.
Identifiers: ClinVar variation 447328 (VCV000447328.7), dbSNP rs138607344, ClinGen allele CA7037138.
Genomic context (GRCh38, chr13:101,726,640, plus strand): 5'-CTATGTAATAATAATGCATGCATAATACTCACCTTCCAATGGCTTGGGTAGAAAATGAGC[T>A]GCTGGTTTGGTTTTCTTTACTCTGTTCCCTTTCATAGCTTGCCCTTCCTTATTTAATCCC-3'
Protein context (NP_004106.1, residues 183-203): KGNRVKKTKP[Ala193=]AHFLPKPLEV